The following is an entry in ClinVar:

NM_025137.4(SPG11):c.6470G>A (p.Gly2157Glu)

Gene: SPG11 (SPG11 vesicle trafficking associated, spatacsin; minus strand). Cytogenetic location: 15q21.1.
Variant type: single nucleotide variant.
Coding change: c.6470G>A on transcript NM_025137.4 (MANE Select); coding-DNA position 6470, G replaced by A.
Protein change: p.Gly2157Glu; replaces glycine 2157 with glutamic acid.
Molecular consequence: missense variant.
Genome position (GRCh38, 1-based): chr15:44,570,532, C>T on the plus strand (G>A on the coding strand, the complement: SPG11 is on the minus strand). VCF-style: chr15-44570532-C-T. GRCh37 (hg19) VCF-style: chr15-44862730-C-T.
Other names: c.6131G>A, p.Gly2044Glu (NM_001160227.2); short protein forms G2157E, G2044E.
Identifiers: ClinVar variation 581478 (VCV000581478.7), dbSNP rs1437823754, ClinGen allele CA392216243.
Genomic context (GRCh38, chr15:44,570,532, plus strand): 5'-CTACTCTCAAAGGTTTCCACAGGATGGAGACTGGGGTTGAGGGGGCTACTTACCACCAGC[C>T]CATACTCCTCACTGGGGGCCAGGTGGTTATCTGTGAGCATGTGGGCGGCCTGTAGGACTC-3'
Protein context (NP_079413.3, residues 2147-2167): DNHLAPSEEY[Gly2157Glu]LVVRLLTGIG

ClinVar aggregate classification (germline): Uncertain significance. Review status: criteria provided, multiple submitters, no conflicts (2 of 4 stars). 2 submissions from 2 submitters: Uncertain significance (2). Last evaluated 2021-10-12.

Conditions:
Inborn genetic diseases. Identifiers: MedGen C0950123, MeSH D030342.
Hereditary spastic paraplegia 11. Also called: Spastic paraplegia, mental retardation and thin corpus callosum; SPASTIC PARAPLEGIA, AUTOSOMAL RECESSIVE, COMPLICATED, WITH THIN CORPUS CALLOSUM; SPASTIC PARAPLEGIA, AUTOSOMAL RECESSIVE, WITH MENTAL IMPAIRMENT AND THIN CORPUS CALLOSUM; Spastic Paraplegia 11; Nakamura Osame syndrome; Autosomal recessive hereditary spastic paraplegia, mental impairment, and thin corpus callosum. Identifiers: Orphanet 2822, MedGen C1858479, MONDO:0011445, OMIM 604360.

Allele frequency attached by ClinVar (database versions not stated): gnomAD exomes below 0.00001; gnomAD 0.00001; TOPMed 0.00001.
gnomAD v4.1: 5 of 1,613,992 alleles (0.00031%); highest among the groups gnomAD compares: Non-Finnish European, 0.00042%; no homozygotes.

Submissions (2):

Ambry Genetics
Classification: Uncertain significance for Inborn genetic diseases. Last evaluated: 2021-10-12. Review status: criteria provided, single submitter. Criteria: Ambry Variant Classification Scheme 2023. Collection method: clinical testing. Allele origin: germline.
Comment: The p.G2157E variant (also known as c.6470G>A), located in coding exon 34 of the SPG11 gene, results from a G to A substitution at nucleotide position 6470. The glycine at codon 2157 is replaced by glutamic acid, an amino acid with similar properties. This amino acid position is conserved. In addition, the in silico prediction for this alteration is inconclusive. Since supporting evidence is limited at this time, the clinical significance of this alteration remains unclear.

Labcorp Genetics (formerly Invitae), Labcorp
Classification: Uncertain significance for Hereditary spastic paraplegia 11. Last evaluated: 2021-08-31. Review status: criteria provided, single submitter. Criteria: Invitae Variant Classification Sherloc (09022015). Collection method: clinical testing. Allele origin: germline.
Comment: This sequence change replaces glycine with glutamic acid at codon 2157 of the SPG11 protein (p.Gly2157Glu). The glycine residue is highly conserved and there is a moderate physicochemical difference between glycine and glutamic acid. This variant is not present in population databases (ExAC no frequency). This variant has not been reported in the literature in individuals affected with SPG11-related conditions. Algorithms developed to predict the effect of missense changes on protein structure and function are either unavailable or do not agree on the potential impact of this missense change (SIFT: "Deleterious"; PolyPhen-2: "Probably Damaging"; Align-GVGD: "Class C15"). In summary, the available evidence is currently insufficient to determine the role of this variant in disease. Therefore, it has been classified as a Variant of Uncertain Significance.